The following is an entry in ClinVar:

NM_000277.3(PAH):c.1144T>C (p.Phe382Leu)

Gene: PAH (phenylalanine hydroxylase; minus strand). Cytogenetic location: 12q23.2.
Variant type: single nucleotide variant.
Coding change: c.1144T>C on transcript NM_000277.3 (MANE Select); coding-DNA position 1144, T replaced by C.
Protein change: p.Phe382Leu; replaces phenylalanine 382 with leucine.
Molecular consequence: missense variant.
Genome position (GRCh38, 1-based): chr12:102,843,701, A>G on the plus strand (T>C on the coding strand, the complement: PAH is on the minus strand). VCF-style: chr12-102843701-A-G. GRCh37 (hg19) VCF-style: chr12-103237479-A-G.
Other names: NM_000277.3(PAH):c.1144T>C; p.Phe382Leu; c.1144T>C, p.Phe382Leu (NM_001354304.2); short protein forms F382L.
Identifiers: ClinVar variation 556882 (VCV000556882.8), dbSNP rs1555203681, ClinGen allele CA386493225.

ClinVar aggregate classification (germline): Pathogenic. Review status: reviewed by expert panel (3 of 4 stars). 3 submissions from 3 submitters: Pathogenic (1). 2 of the submissions do not count toward it. Last evaluated 2021-02-13.

Conditions:
Phenylketonuria (PKU). Also called: OLIGOPHRENIA PHENYLPYRUVICA; Phenylketonurias; FOLLING DISEASE; Phenylketonuria (PKU). Identifiers: Orphanet 716, MedGen C0031485, MONDO:0009861, OMIM 261600. Disease mechanism: loss of function.

Submissions (3):

ClinGen PAH Variant Curation Expert Panel
Classification: Pathogenic for Phenylketonuria. Last evaluated: 2021-02-13. Review status: reviewed by expert panel. Criteria: ClinGen PAH ACMG Specifications v1. Collection method: curation. Allele origin: germline. Inheritance: Autosomal recessive inheritance.
Comment: This variant was absent in population databases (PM2). Expressed in COS-1 cells, this variant has 18% enzyme activity (PS3; PMID: 22698810). Computational prediction tools suggest that the variant may impact the protein (REVEL = 0.89; PP3). In summary, this variant meets criteria to be classified as pathogenic for PAH. PAH-specific ACMG/AMP criteria applied: PS3, PM2, PM3, PP4_moderate, PP3.

Labcorp Genetics (formerly Invitae), Labcorp
Classification: Pathogenic for Phenylketonuria. Last evaluated: 2024-02-19. Review status: criteria provided, single submitter. Criteria: Invitae Variant Classification Sherloc (09022015). Collection method: clinical testing. Allele origin: germline. Not counted in ClinVar's aggregate classification.
Comment: This sequence change replaces phenylalanine, which is neutral and non-polar, with leucine, which is neutral and non-polar, at codon 382 of the PAH protein (p.Phe382Leu). RNA analysis indicates that this missense change induces altered splicing and may result in an absent or disrupted protein product. This variant is not present in population databases (gnomAD no frequency). This missense change has been observed in individual(s) with hyperphenylalaninemia (PMID: 21147011). ClinVar contains an entry for this variant (Variation ID: 556882). Advanced modeling of protein sequence and biophysical properties (such as structural, functional, and spatial information, amino acid conservation, physicochemical variation, residue mobility, and thermodynamic stability) performed at Invitae indicates that this missense variant is not expected to disrupt PAH protein function with a negative predictive value of 80%. Experimental studies have shown that this missense change affects PAH function (PMID: 22698810). Studies have shown that this missense change results in skipping of exon 11 and introduces a premature termination codon (PMID: 22698810). The resulting mRNA is expected to undergo nonsense-mediated decay. For these reasons, this variant has been classified as Pathogenic.

Counsyl
Classification: Uncertain significance for Phenylketonuria. Last evaluated: 2018-02-28. Review status: no assertion criteria provided. Collection method: clinical testing. Allele origin: unknown. Not counted in ClinVar's aggregate classification.

Literature cited by the submitters: PubMed 22698810 (cited by 3 submitters); PubMed 21147011 (cited by Labcorp Genetics (formerly Invitae), Labcorp and Counsyl); PubMed 26701937 (cited by Counsyl); PubMed 18346471 (cited by Counsyl); PubMed 17096675 (cited by Counsyl); PubMed 21820508 (cited by Counsyl).